The following is an entry in ClinVar:

NM_020832.3(ZNF687):c.388C>T (p.Pro130Ser)

Gene: ZNF687 (zinc finger protein 687; plus strand). Cytogenetic location: 1q21.3.
Variant type: single nucleotide variant.
Coding change: c.388C>T on transcript NM_020832.3 (MANE Select); coding-DNA position 388, C replaced by T.
Protein change: p.Pro130Ser; replaces proline 130 with serine.
Molecular consequence: missense variant.
Genome position (GRCh38, 1-based): chr1:151,286,679, C>T. VCF-style: chr1-151286679-C-T. GRCh37 (hg19) VCF-style: chr1-151259155-C-T.
Other names: c.388C>T (NM_020832.1); c.388C>T, p.Pro130Ser (NM_001304763.2, NM_001304764.2); short protein forms P130S.
Identifiers: ClinVar variation 2712589 (VCV002712589.3), dbSNP rs775663792, ClinGen allele CA1088152.

ClinVar aggregate classification (germline): Uncertain significance. Review status: criteria provided, multiple submitters, no conflicts (2 of 4 stars). 2 submissions from 2 submitters: Uncertain significance (2). Last evaluated 2025-11-20.

Allele frequency attached by ClinVar (database versions not stated): ExAC 0.00002; gnomAD exomes 0.00001; TOPMed 0.00002; gnomAD 0.00001.

Submissions (2):

Ambry Genetics
Classification: Uncertain significance. Last evaluated: 2025-11-20. Review status: criteria provided, single submitter. Criteria: Ambry Variant Classification Scheme 2023. Collection method: clinical testing. Allele origin: germline.

Labcorp Genetics (formerly Invitae), Labcorp
Classification: Uncertain significance. Last evaluated: 2024-11-29. Review status: criteria provided, single submitter. Criteria: Invitae Variant Classification Sherloc (09022015). Collection method: clinical testing. Allele origin: germline.
Comment: This sequence change replaces proline, which is neutral and non-polar, with serine, which is neutral and polar, at codon 130 of the ZNF687 protein (p.Pro130Ser). This variant is present in population databases (rs775663792, gnomAD 0.02%). This variant has not been reported in the literature in individuals affected with ZNF687-related conditions. ClinVar contains an entry for this variant (Variation ID: 2712589). An algorithm developed to predict the effect of missense changes on protein structure and function outputs the following: PolyPhen-2: "Benign". The serine amino acid residue is found in multiple mammalian species, which suggests that this missense change does not adversely affect protein function. In summary, the available evidence is currently insufficient to determine the role of this variant in disease. Therefore, it has been classified as a Variant of Uncertain Significance.